The following is an entry in ClinVar:

NM_031935.3(HMCN1):c.8527G>A (p.Ala2843Thr)

Gene: HMCN1 (hemicentin 1; plus strand). Cytogenetic location: 1q31.1.
Variant type: single nucleotide variant.
Coding change: c.8527G>A on transcript NM_031935.3 (MANE Select); coding-DNA position 8527, G replaced by A.
Protein change: p.Ala2843Thr; replaces alanine 2843 with threonine.
Molecular consequence: missense variant.
Genome position (GRCh38, 1-based): chr1:186,078,148, G>A. VCF-style: chr1-186078148-G-A. GRCh37 (hg19) VCF-style: chr1-186047280-G-A.
Other names: short protein forms A2843T.
Identifiers: ClinVar variation 3653951 (VCV003653951.2).

ClinVar aggregate classification (germline): Uncertain significance (1 of 4 stars; one submission).

gnomAD v4.1: 1 of 1,613,866 alleles (0.000062%); highest among the groups gnomAD compares: Non-Finnish European, 0.000085%; no homozygotes.

Submission:

Labcorp Genetics (formerly Invitae), Labcorp
Classification: Uncertain significance. Last evaluated: 2024-06-20. Review status: criteria provided, single submitter. Criteria: Invitae Variant Classification Sherloc (09022015). Collection method: clinical testing. Allele origin: germline.
Comment: This sequence change replaces alanine, which is neutral and non-polar, with threonine, which is neutral and polar, at codon 2843 of the HMCN1 protein (p.Ala2843Thr). This variant is present in population databases (rs753158653, gnomAD 0.0009%). This variant has not been reported in the literature in individuals affected with HMCN1-related conditions. An algorithm developed to predict the effect of missense changes on protein structure and function (PolyPhen-2) suggests that this variant is likely to be disruptive. In summary, the available evidence is currently insufficient to determine the role of this variant in disease. Therefore, it has been classified as a Variant of Uncertain Significance.